The following is an entry in ClinVar:

ClinVar aggregate classification (germline): Uncertain significance (1 of 4 stars; one submission).

Submission:

Labcorp Genetics (formerly Invitae), Labcorp
Classification: Uncertain significance. Last evaluated: 2023-08-25. Review status: criteria provided, single submitter. Criteria: Invitae Variant Classification Sherloc (09022015). Collection method: clinical testing. Allele origin: germline.
Comment: In summary, the available evidence is currently insufficient to determine the role of this variant in disease. Therefore, it has been classified as a Variant of Uncertain Significance. Advanced modeling of protein sequence and biophysical properties (such as structural, functional, and spatial information, amino acid conservation, physicochemical variation, residue mobility, and thermodynamic stability) performed at Invitae indicates that this missense variant is expected to disrupt C3 protein function. ClinVar contains an entry for this variant (Variation ID: 1381215). This variant has not been reported in the literature in individuals affected with C3-related conditions. This variant is not present in population databases (gnomAD no frequency). This sequence change replaces serine, which is neutral and polar, with threonine, which is neutral and polar, at codon 838 of the C3 protein (p.Ser838Thr).

NM_000064.4(C3):c.2512T>A (p.Ser838Thr)

Gene: C3 (complement C3; minus strand). Cytogenetic location: 19p13.3.
Variant type: single nucleotide variant.
Coding change: c.2512T>A on transcript NM_000064.4 (MANE Select); coding-DNA position 2512, T replaced by A.
Protein change: p.Ser838Thr; replaces serine 838 with threonine.
Molecular consequence: missense variant.
Genome position (GRCh38, 1-based): chr19:6,697,723, A>T on the plus strand (T>A on the coding strand, the complement: C3 is on the minus strand). VCF-style: chr19-6697723-A-T. GRCh37 (hg19) VCF-style: chr19-6697734-A-T.
Other names: short protein forms S838T.
Identifiers: ClinVar variation 1381215 (VCV001381215.8), dbSNP rs2145412016, ClinGen allele CA403633977.